The following is an entry in ClinVar:

NM_006389.5(HYOU1):c.1410C>T (p.Phe470=)

Gene: HYOU1 (hypoxia up-regulated 1; minus strand). Cytogenetic location: 11q23.3.
Variant type: single nucleotide variant.
Coding change: c.1410C>T on transcript NM_006389.5 (MANE Select); coding-DNA position 1410, C replaced by T.
Protein change: p.Phe470=; no amino-acid change (phenylalanine 470 retained).
Molecular consequence: synonymous variant.
Genome position (GRCh38, 1-based): chr11:119,051,554, G>A on the plus strand (C>T on the coding strand, the complement: HYOU1 is on the minus strand). VCF-style: chr11-119051554-G-A. GRCh37 (hg19) VCF-style: chr11-118922266-G-A.
Other names: c.1410C>T, p.Phe470= (NM_001130991.3, NM_001411041.1).
Identifiers: ClinVar variation 2767534 (VCV002767534.3), dbSNP rs2497160773, ClinGen allele CA2697559039.

ClinVar aggregate classification (germline): Uncertain significance (1 of 4 stars; one submission).

Submission:

Labcorp Genetics (formerly Invitae), Labcorp
Classification: Uncertain significance. Last evaluated: 2023-10-10. Review status: criteria provided, single submitter. Criteria: Invitae Variant Classification Sherloc (09022015). Collection method: clinical testing. Allele origin: germline.
Comment: This sequence change affects codon 470 of the HYOU1 mRNA. It is a 'silent' change, meaning that it does not change the encoded amino acid sequence of the HYOU1 protein. This variant is not present in population databases (gnomAD no frequency). This variant has not been reported in the literature in individuals affected with HYOU1-related conditions. In summary, the available evidence is currently insufficient to determine the role of this variant in disease. Therefore, it has been classified as a Variant of Uncertain Significance.